The following is an entry in ClinVar:

ClinVar aggregate classification (germline): Likely benign (0 of 4 stars; one submission).

Conditions:
SMG9-related disorder. Also called: SMG9-related condition.

Allele frequency attached by ClinVar (database versions not stated): TOPMed 0.00003; gnomAD exomes 0.00004; gnomAD 0.00005; ExAC 0.00007; ESP Exome Variant Server 0.00023.

Submission:

PreventionGenetics, part of Exact Sciences
Classification: Likely benign for SMG9-related condition. Last evaluated: 2020-06-26. Review status: no assertion criteria provided. Collection method: clinical testing. Allele origin: germline.
Comment: This variant is classified as likely benign based on ACMG/AMP sequence variant interpretation guidelines (Richards et al. 2015 PMID: 25741868, with internal and published modifications).

NM_019108.4(SMG9):c.1275G>A (p.Glu425=)

Gene: SMG9 (SMG9 nonsense mediated mRNA decay factor; minus strand). Cytogenetic location: 19q13.31.
Variant type: single nucleotide variant.
Coding change: c.1275G>A on transcript NM_019108.4 (MANE Select); coding-DNA position 1275, G replaced by A.
Protein change: p.Glu425=; no amino-acid change (glutamic acid 425 retained).
Molecular consequence: synonymous variant.
Genome position (GRCh38, 1-based): chr19:43,733,388, C>T on the plus strand (G>A on the coding strand, the complement: SMG9 is on the minus strand). VCF-style: chr19-43733388-C-T. GRCh37 (hg19) VCF-style: chr19-44237540-C-T.
Identifiers: ClinVar variation 3048408 (VCV003048408.2), dbSNP rs138335943, ClinGen allele CA9491201.
Genomic context (GRCh38, chr19:43,733,388, plus strand): 5'-TCTTGGTGGGTTTTCACTCTCTGCTTCACTGTCCATGAAGGGTACCAGGAATAAGTTGAC[C>T]TCAGAGTCCAGGAAGTCAGGTGGAAGCCCCGGGAAGACATTGCATTGTAACATGGACAGA-3'
Protein context (NP_061981.2, residues 415-435): PGLPPDFLDS[Glu425=]VNLFLVPFMD